The following is an entry in ClinVar:

NM_004304.5(ALK):c.37C>T (p.Leu13=)

Gene: ALK (ALK receptor tyrosine kinase; minus strand). Cytogenetic location: 2p23.1.
Variant type: single nucleotide variant.
Coding change: c.37C>T on transcript NM_004304.5 (MANE Select); coding-DNA position 37, C replaced by T.
Protein change: p.Leu13=; no amino-acid change (leucine 13 retained).
Molecular consequence: synonymous variant.
Genome position (GRCh38, 1-based): chr2:29,920,623, G>A on the plus strand (C>T on the coding strand, the complement: ALK is on the minus strand). VCF-style: chr2-29920623-G-A. GRCh37 (hg19) VCF-style: chr2-30143489-G-A.
Other names: c.37C>T (NM_004304.4).
Identifiers: ClinVar variation 1109231 (VCV001109231.10), dbSNP rs749730757, ClinGen allele CA425628146.

ClinVar aggregate classification (germline): Conflicting classifications of pathogenicity. Review status: criteria provided, conflicting classifications (1 of 4 stars). 2 submissions from 2 submitters: Uncertain significance (1); Likely benign (1). Last evaluated 2025-05-29.

Conditions:
Neuroblastoma, susceptibility to, 3. Also called: ALK-Related Neuroblastic Tumor Susceptibility. Identifiers: Orphanet 635, MedGen C2751681, MONDO:0013083, OMIM 613014.

Submissions (2):

GeneDx
Classification: Uncertain significance. Last evaluated: 2025-05-29. Review status: criteria provided, single submitter. Criteria: GeneDx Variant Classification Process June 2021. Collection method: clinical testing. Allele origin: germline. Affected: yes.
Comment: Not observed at significant frequency in large population cohorts (gnomAD); In silico analysis suggests that this variant does not alter splicing; Has not been previously published as pathogenic or benign to our knowledge

Labcorp Genetics (formerly Invitae), Labcorp
Classification: Likely benign for Neuroblastoma, susceptibility to, 3. Last evaluated: 2020-01-16. Review status: criteria provided, single submitter. Criteria: Invitae Variant Classification Sherloc (09022015). Collection method: clinical testing. Allele origin: germline.